The following is an entry in ClinVar:

NM_001077350.3(NPRL3):c.290C>G (p.Pro97Arg)

Genes: HBA-LCR (alpha-globin locus control region; plus strand), NPRL3 (NPR3 like, GATOR1 complex subunit; minus strand). Cytogenetic location: 16p13.3.
Variant type: single nucleotide variant.
Coding change: c.290C>G on transcript NM_001077350.3 (MANE Select); coding-DNA position 290, C replaced by G.
Protein change: p.Pro97Arg; replaces proline 97 with arginine.
Molecular consequence: missense variant. On other transcripts: intron variant (1).
Genome position (GRCh38, 1-based): chr16:119,154, G>C on the plus strand (C>G on the coding strand, the complement: NPRL3 is on the minus strand). VCF-style: chr16-119154-G-C. GRCh37 (hg19) VCF-style: chr16-169153-G-C.
Other names: c.56C>G, p.Pro19Arg (NM_001243247.2); c.290C>G, p.Pro97Arg (NM_001243248.2, NM_001243249.2); c.-144-6379C>G (NM_001039476.3); short protein forms P19R, P97R.
Identifiers: ClinVar variation 2662090 (VCV002662090.1), dbSNP rs924048126, ClinGen allele CA276419120.

ClinVar aggregate classification (germline): Uncertain significance (1 of 4 stars; one submission).

Submission:

GeneDx
Classification: Uncertain significance. Last evaluated: 2023-04-20. Review status: criteria provided, single submitter. Criteria: GeneDx Variant Classification Process June 2021. Collection method: clinical testing. Allele origin: germline. Affected: yes.
Comment: Not observed at significant frequency in large population cohorts (gnomAD); In silico analysis supports that this missense variant has a deleterious effect on protein structure/function; Has not been previously published as pathogenic or benign to our knowledge